The following is an entry in ClinVar:

ClinVar aggregate classification (germline): Uncertain significance (0 of 4 stars; one submission).

Conditions:
SH2B1-related disorder. Also called: SH2B1-related condition.

gnomAD v4.1: 27 of 1,610,668 alleles (0.0017%); highest among the groups gnomAD compares: Non-Finnish European, 0.0022%; no homozygotes.

Submission:

PreventionGenetics, part of Exact Sciences
Classification: Uncertain significance for SH2B1-related condition. Last evaluated: 2024-02-13. Review status: no assertion criteria provided. Collection method: clinical testing. Allele origin: germline.
Comment: The SH2B1 c.839G>A variant is predicted to result in the amino acid substitution p.Gly280Glu. To our knowledge, this variant has not been reported in the literature. This variant is reported in 0.00090% of alleles in individuals of European (Non-Finnish) descent in gnomAD. At this time, the clinical significance of this variant is uncertain due to the absence of conclusive functional and genetic evidence.

NM_001387430.1(SH2B1):c.839G>A (p.Gly280Glu)

Gene: SH2B1 (SH2B adaptor protein 1; plus strand). Cytogenetic location: 16p11.2.
Variant type: single nucleotide variant.
Coding change: c.839G>A on transcript NM_001387430.1 (MANE Select); coding-DNA position 839, G replaced by A.
Protein change: p.Gly280Glu; replaces glycine 280 with glutamic acid.
Molecular consequence: missense variant. On other transcripts: intron variant (1).
Genome position (GRCh38, 1-based): chr16:28,866,933, G>A. VCF-style: chr16-28866933-G-A. GRCh37 (hg19) VCF-style: chr16-28878254-G-A.
Other names: c.839G>A, p.Gly280Glu (NM_001145795.2, NM_001145796.2, NM_001145797.2 and 4 more transcripts); c.-26-441G>A (NM_001308294.2); short protein forms G280E.
Identifiers: ClinVar variation 3353438 (VCV003353438.1).